The following is an entry in ClinVar:

ClinVar aggregate classification (germline): Pathogenic (1 of 4 stars; one submission).

Conditions:
Hyperphosphatasia with impaired intellectual development syndrome 2. Also called: GLYCOSYLPHOSPHATIDYLINOSITOL BIOSYNTHESIS DEFECT 6; Hyperphosphatasia with intellectual disability syndrome 2. Identifiers: Orphanet 247262, MedGen C3553637, MONDO:0013882, OMIM 614749.

Submission:

Labcorp Genetics (formerly Invitae), Labcorp
Classification: Pathogenic for Hyperphosphatasia with impaired intellectual development syndrome 2. Last evaluated: 2024-02-23. Review status: criteria provided, single submitter. Criteria: Invitae Variant Classification Sherloc (09022015). Collection method: clinical testing. Allele origin: germline.
Comment: This sequence change creates a premature translational stop signal (p.Ser169Lysfs*12) in the PIGO gene. It is expected to result in an absent or disrupted protein product. Loss-of-function variants in PIGO are known to be pathogenic (PMID: 22683086, 24417746). This variant is not present in population databases (gnomAD no frequency). This variant has not been reported in the literature in individuals affected with PIGO-related conditions. For these reasons, this variant has been classified as Pathogenic.

Literature cited by the submitters: PubMed 22683086; PubMed 24417746.

NM_032634.4(PIGO):c.505dup (p.Ser169fs)

Gene: PIGO (phosphatidylinositol glycan anchor biosynthesis class O; minus strand). Cytogenetic location: 9p13.3.
Variant type: Duplication.
Coding change: c.505dup on transcript NM_032634.4 (MANE Select); coding-DNA position 505, one base duplicated (A; older notation c.505dupA).
Protein change: p.Ser169fs; shifts the reading frame from serine 169.
Molecular consequence: frameshift variant.
Genome position (GRCh38, 1-based): chr9:35,095,061, T duplicated on the plus strand (A on the coding strand, the reverse complement: PIGO is on the minus strand). VCF-style (leftmost placement, unchanged base first): chr9-35095060-C-CT. GRCh37 (hg19) VCF-style: chr9-35095057-C-CT.
Other names: c.505dup, p.Ser169fs (NM_001201484.2, NM_152850.4); short protein forms S169fs.
Identifiers: ClinVar variation 3642875 (VCV003642875.2).